The following is an entry in ClinVar:

ClinVar aggregate classification (germline): Pathogenic/Likely pathogenic. Review status: criteria provided, multiple submitters, no conflicts (2 of 4 stars). 3 submissions from 3 submitters: Pathogenic (2); Likely pathogenic (1). Last evaluated 2024-12-27.

Conditions:
PKP2-related disorder. Also called: PKP2-related condition.
Arrhythmogenic right ventricular dysplasia 9 (ARVD9). Also called: ARRHYTHMOGENIC RIGHT VENTRICULAR DYSPLASIA, FAMILIAL, 9; Arrhythmogenic Right Ventricular Dysplasia/Cardiomyopathy 9. Identifiers: MedGen C1836906, MONDO:0012180, OMIM 609040.

Submissions (3):

3billion
Classification: Pathogenic for Arrhythmogenic right ventricular dysplasia 9. Last evaluated: 2024-12-27. Review status: criteria provided, single submitter. Criteria: ACMG Guidelines, 2015. Collection method: clinical testing. Allele origin: germline. Affected: yes.
Comment: The variant is observed at an extremely low frequency in the gnomAD v4.1.0 dataset (total allele frequency: <0.001%). Predicted Consequence/Location: Frameshift: predicted to result in a loss or disruption of normal protein function through nonsense-mediated decay (NMD) or protein truncation. Multiple pathogenic variants are reported downstream of the variant. The variant has been reported to be associated with PKP2-related disorder (ClinVar ID: VCV003382701 /PMID: 33087929 /3billion dataset). Therefore, this variant is classified as Pathogenic according to the recommendation of ACMG/AMP guideline.

Blueprint Genetics
Classification: Pathogenic for PKP2-related disorders. Last evaluated: 2017-06-09. Review status: criteria provided, single submitter. Criteria: ACMG Guidelines, 2015. Collection method: clinical testing. Allele origin: germline. Affected: yes. Observed: 2 variant alleles.

Juno Genomics, Hangzhou Juno Genomics, Inc
Classification: Likely pathogenic for Arrhythmogenic right ventricular dysplasia 9. Review status: criteria provided, single submitter. Criteria: ACMG Guidelines, 2015. Collection method: clinical testing. Allele origin: germline.
Comment: Absent from controls (or at extremely low frequency if recessive) in Genome Aggregation Database.;Null variant in a gene where loss of function (LOF) is a known mechanism of disease.

Literature cited by the submitters: PubMed 33087929 (cited by 3billion).

NM_001005242.3(PKP2):c.962del (p.Val321fs)

Gene: PKP2 (plakophilin 2; minus strand). Cytogenetic location: 12p11.21.
Variant type: Deletion.
Coding change: c.962del on transcript NM_001005242.3 (MANE Select); coding-DNA position 962, one base deleted (T; older notation c.962delT).
Protein change: p.Val321fs; shifts the reading frame from valine 321.
Molecular consequence: frameshift variant.
Genome position (GRCh38, 1-based): chr12:32,877,918, A deleted on the plus strand (T on the coding strand, the reverse complement: PKP2 is on the minus strand). VCF-style (leftmost placement, unchanged base first): chr12-32877917-GA-G. GRCh37 (hg19) VCF-style: chr12-33030851-GA-G.
Other names: c.962del, p.Val321fs (NM_001407155.1, NM_001407156.1, NM_001407157.1 and 2 more transcripts); c.635del, p.Val212fs (NM_001407158.1, NM_001407159.1, NM_001407160.1 and 1 more transcripts); short protein forms V212fs, V321fs.
Identifiers: ClinVar variation 3382701 (VCV003382701.6).